The following is an entry in ClinVar:

NM_001365999.1(SZT2):c.5906G>A (p.Arg1969Gln)

Gene: SZT2 (SZT2 subunit of KICSTOR complex; plus strand). Cytogenetic location: 1p34.2.
Variant type: single nucleotide variant.
Coding change: c.5906G>A on transcript NM_001365999.1 (MANE Select); coding-DNA position 5906, G replaced by A.
Protein change: p.Arg1969Gln; replaces arginine 1969 with glutamine.
Molecular consequence: missense variant.
Genome position (GRCh38, 1-based): chr1:43,435,201, G>A. VCF-style: chr1-43435201-G-A. GRCh37 (hg19) VCF-style: chr1-43900872-G-A.
Other names: c.5735G>A, p.Arg1912Gln (NM_015284.4); short protein forms R1912Q, R1969Q.
Identifiers: ClinVar variation 411948 (VCV000411948.13), dbSNP rs201099906, ClinGen allele CA809745.

ClinVar aggregate classification (germline): Uncertain significance. Review status: criteria provided, multiple submitters, no conflicts (2 of 4 stars). 6 submissions from 6 submitters: Uncertain significance (6). Last evaluated 2025-08-27.

Conditions:
Developmental and epileptic encephalopathy, 18 (DEE18). Also called: Early infantile epileptic encephalopathy 18. Identifiers: Orphanet 369894, MedGen C3809624, MONDO:0014201, OMIM 615476.

Allele frequency attached by ClinVar (database versions not stated): gnomAD 0.00004 and 0.00005; TOPMed 0.00005; ESP Exome Variant Server 0.00015; 1000 Genomes Project 30x 0.00016; 1000 Genomes Project 0.00020.

Submissions (6):

Athena Diagnostics
Classification: Uncertain significance. Last evaluated: 2025-08-27. Review status: criteria provided, single submitter. Criteria: Athena Diagnostics Criteria. Collection method: clinical testing. Allele origin: unknown.
Comment: Available data are insufficient to determine the clinical significance of the variant at this time. The frequency of this variant in the general population is uninformative in assessment of its pathogenicity. Polyphen and MutationTaster yielded discordant predictions regarding whether this amino acid change is damaging to the protein.

GeneDx
Classification: Uncertain significance. Last evaluated: 2024-09-04. Review status: criteria provided, single submitter. Criteria: GeneDx Variant Classification Process June 2021. Collection method: clinical testing. Allele origin: germline. Affected: yes.
Comment: In silico analysis indicates that this missense variant does not alter protein structure/function; Has not been previously published as pathogenic or benign to our knowledge

Labcorp Genetics (formerly Invitae), Labcorp
Classification: Uncertain significance. Last evaluated: 2023-11-10. Review status: criteria provided, single submitter. Criteria: Invitae Variant Classification Sherloc (09022015). Collection method: clinical testing. Allele origin: germline.
Comment: This sequence change replaces arginine, which is basic and polar, with glutamine, which is neutral and polar, at codon 1912 of the SZT2 protein (p.Arg1912Gln). This variant is present in population databases (rs201099906, gnomAD 0.01%). This variant has not been reported in the literature in individuals affected with SZT2-related conditions. ClinVar contains an entry for this variant (Variation ID: 411948). An algorithm developed to predict the effect of missense changes on protein structure and function (PolyPhen-2) suggests that this variant is likely to be disruptive. In summary, the available evidence is currently insufficient to determine the role of this variant in disease. Therefore, it has been classified as a Variant of Uncertain Significance.

Genome-Nilou Lab
Classification: Uncertain significance for Developmental and epileptic encephalopathy, 18. Last evaluated: 2023-04-11. Review status: criteria provided, single submitter. Criteria: ACMG Guidelines, 2015. Collection method: clinical testing. Allele origin: germline. Affected: no.

Blueprint Genetics
Classification: Uncertain significance. Last evaluated: 2021-12-02. Review status: criteria provided, single submitter. Criteria: ACMG Guidelines, 2015. Collection method: clinical testing. Allele origin: germline.

Fulgent Genetics
Classification: Uncertain significance for Developmental and epileptic encephalopathy, 18. Last evaluated: 2018-10-31. Review status: criteria provided, single submitter. Criteria: ACMG Guidelines, 2015. Collection method: clinical testing. Allele origin: unknown.